The following is an entry in ClinVar:

ClinVar aggregate classification (germline): Uncertain significance (1 of 4 stars; one submission).

Conditions:
Cardiovascular phenotype. Identifiers: MedGen CN230736.

Submission:

Ambry Genetics
Classification: Uncertain significance for Cardiovascular phenotype. Last evaluated: 2025-09-17. Review status: criteria provided, single submitter. Criteria: Ambry Variant Classification Scheme 2023. Collection method: clinical testing. Allele origin: germline.
Comment: The p.T312N variant (also known as c.935C>A), located in coding exon 10 of the ACTN2 gene, results from a C to A substitution at nucleotide position 935. The threonine at codon 312 is replaced by asparagine, an amino acid with similar properties. This amino acid position is conserved. In addition, this alteration is predicted to be tolerated by in silico analysis. Based on the available evidence, the clinical significance of this variant remains unclear.

NM_001103.4(ACTN2):c.935C>A (p.Thr312Asn)

Gene: ACTN2 (actinin alpha 2; plus strand). Cytogenetic location: 1q43.
Variant type: single nucleotide variant.
Coding change: c.935C>A on transcript NM_001103.4 (MANE Select); coding-DNA position 935, C replaced by A.
Protein change: p.Thr312Asn; replaces threonine 312 with asparagine.
Molecular consequence: missense variant. On other transcripts: non-coding transcript variant (1).
Genome position (GRCh38, 1-based): chr1:236,739,360, C>A. VCF-style: chr1-236739360-C-A. GRCh37 (hg19) VCF-style: chr1-236902660-C-A.
Other names: c.935C>A, p.Thr312Asn (NM_001278343.2); short protein forms T312N.
Identifiers: ClinVar variation 4613357 (VCV004613357.1).
Genomic context (GRCh38, chr1:236,739,360, plus strand): 5'-AGCTTTTGGAATGGATTCGTCGCACGATCCCCTGGCTGGAGAACCGGACTCCCGAGAAGA[C>A]CATGCAAGCCATGCAGAAGAAGCTGGAGGACTTCCGGGATTACCGCCGGAAGCACAAGCC-3'
Protein context (NP_001094.1, residues 302-322): PWLENRTPEK[Thr312Asn]MQAMQKKLED